The following is an entry in ClinVar:

ClinVar aggregate classification (germline): Uncertain significance. Review status: criteria provided, multiple submitters, no conflicts (2 of 4 stars). 2 submissions from 2 submitters: Uncertain significance (2). Last evaluated 2021-11-23.

Conditions:
Hereditary spastic paraplegia 28. Also called: Spastic paraplegia 28, autosomal recessive. Identifiers: Orphanet 101008, MedGen C1836295, MONDO:0012256, OMIM 609340.
Hereditary spastic paraplegia. Also called: Familial spastic paraparesis. Identifiers: Orphanet 685, MedGen C0037773, MONDO:0019064. Disease mechanism: loss of function.

Allele frequency attached by ClinVar (database versions not stated): gnomAD 0.00001; gnomAD exomes 0.00001.
gnomAD v4.1: 24 of 1,613,798 alleles (0.0015%); highest among the groups gnomAD compares: Non-Finnish European, 0.002%; no homozygotes.

Submissions (2):

Labcorp Genetics (formerly Invitae), Labcorp
Classification: Uncertain significance for Hereditary spastic paraplegia 28. Last evaluated: 2021-11-23. Review status: criteria provided, single submitter. Criteria: Invitae Variant Classification Sherloc (09022015). Collection method: clinical testing. Allele origin: germline.
Comment: Algorithms developed to predict the effect of missense changes on protein structure and function are either unavailable or do not agree on the potential impact of this missense change (SIFT: "Tolerated"; PolyPhen-2: "Probably Damaging"; Align-GVGD: "Class C0"). In summary, the available evidence is currently insufficient to determine the role of this variant in disease. Therefore, it has been classified as a Variant of Uncertain Significance. This variant has not been reported in the literature in individuals affected with DDHD1-related conditions. This variant is present in population databases (no rsID available, gnomAD 0.002%). This sequence change replaces cysteine, which is neutral and slightly polar, with phenylalanine, which is neutral and non-polar, at codon 525 of the DDHD1 protein (p.Cys525Phe).

Genome Diagnostics Laboratory, The Hospital for Sick Children
Classification: Uncertain significance for Hereditary spastic paraplegia. Last evaluated: 2017-11-01. Review status: criteria provided, single submitter. Criteria: ACMG Guidelines, 2015. Collection method: clinical testing. Allele origin: germline. Affected: yes.

NM_001160148.2(DDHD1):c.1553G>T (p.Cys518Phe)

Gene: DDHD1 (DDHD domain containing 1; minus strand). Cytogenetic location: 14q22.1.
Variant type: single nucleotide variant.
Coding change: c.1553G>T on transcript NM_001160148.2 (MANE Select); coding-DNA position 1553, G replaced by T.
Protein change: p.Cys518Phe; replaces cysteine 518 with phenylalanine.
Molecular consequence: missense variant.
Genome position (GRCh38, 1-based): chr14:53,063,156, C>A on the plus strand (G>T on the coding strand, the complement: DDHD1 is on the minus strand). VCF-style: chr14-53063156-C-A. GRCh37 (hg19) VCF-style: chr14-53529874-C-A.
Other names: c.1574G>T, p.Cys525Phe (NM_001160147.2); c.1553G>T, p.Cys518Phe (NM_030637.3); short protein forms C518F, C525F.
Identifiers: ClinVar variation 1344288 (VCV001344288.7), dbSNP rs1291109043, ClinGen allele CA389763253.